The following is an entry in ClinVar:

NC_000002.11:g.(?_32288901)_(32289335_?)del

Gene: SPAST (spastin; plus strand). Cytogenetic location: 2p22.3.
Variant type: Deletion.
Identifiers: ClinVar variation 3247318 (VCV003247318.1).

ClinVar aggregate classification (germline): Pathogenic (1 of 4 stars; one submission).

Conditions:
Hereditary spastic paraplegia 4. Also called: Spastic paraplegia 4, autosomal dominant; Familial spastic paraplegia autosomal dominant 2; Spastic Paraplegia 4. Identifiers: Orphanet 100985, MedGen C1866855, MONDO:0008438, OMIM 182601.

Submission:

Labcorp Genetics (formerly Invitae), Labcorp
Classification: Pathogenic for Hereditary spastic paraplegia 4. Last evaluated: 2023-10-10. Review status: criteria provided, single submitter. Criteria: Invitae Variant Classification Sherloc (09022015). Collection method: clinical testing. Allele origin: unknown.
Comment: This variant is a gross deletion of the genomic region encompassing exon(s) 1 of the SPAST gene, which includes the initiator codon. This deletion extends beyond the assayed region for this gene and therefore may encompass additional genes. It is expected to result in an absent or disrupted protein product. Loss-of-function variants in SPAST are known to be pathogenic (PMID: 20932283). A similar copy number variant has been observed in individual(s) with hereditary spastic paraplegia (PMID: 15637712, 17098887, 22203332, 24451228, 24824479). It has also been observed to segregate with disease in related individuals. The region of the SPAST gene that includes exon(s) 1 has been determined to be clinically significant (PMID: 17098887, 22203332, 24451228, 24824479). Therefore, deletions that encompass that region are likely to be disease-causing. For these reasons, this variant has been classified as Pathogenic.

Literature cited by the submitters: PubMed 20932283; PubMed 15637712; PubMed 17098887; PubMed 22203332; PubMed 24451228; PubMed 24824479.